The following is an entry in ClinVar:

ClinVar aggregate classification (germline): Conflicting classifications of pathogenicity. Review status: criteria provided, conflicting classifications (1 of 4 stars). 7 submissions from 7 submitters: Uncertain significance (1); Likely benign (5). 1 of the submissions does not count toward it. Last evaluated 2026-10-01.

Conditions:
Inborn genetic diseases. Identifiers: MedGen C0950123, MeSH D030342.
TOP3A-related disorder. Also called: TOP3A-related disorders; TOP3A-related condition.

Allele frequency attached by ClinVar (database versions not stated): 1000 Genomes Project 30x 0.00062; 1000 Genomes Project 0.00080; gnomAD 0.00186 and 0.00192; gnomAD exomes 0.00186; ExAC 0.00188; ESP Exome Variant Server 0.00192.
gnomAD v4.1: 3,908 of 1,580,298 alleles (0.25%); highest among the groups gnomAD compares: Non-Finnish European, 0.3%; 14 homozygotes.

Submissions (7):

CeGaT Center for Human Genetics Tuebingen
Classification: Likely benign. Last evaluated: 2026-10-01. Review status: criteria provided, single submitter. Criteria: CeGaT Center For Human Genetics Tuebingen Variant Classification Criteria Version 2. Collection method: clinical testing. Allele origin: germline. Affected: yes. Observed: 8 variant alleles.
Comment: TOP3A: BP4, BS2

Labcorp Genetics (formerly Invitae), Labcorp
Classification: Likely benign. Last evaluated: 2026-01-27. Review status: criteria provided, single submitter. Criteria: Invitae Variant Classification Sherloc (09022015). Collection method: clinical testing. Allele origin: germline.

Blueprint Genetics
Classification: Likely benign. Last evaluated: 2024-11-20. Review status: criteria provided, single submitter. Criteria: ACMG Guidelines, 2015. Collection method: clinical testing. Allele origin: germline.

Ambry Genetics
Classification: Uncertain significance for Inborn genetic diseases. Last evaluated: 2024-10-25. Review status: criteria provided, single submitter. Criteria: Ambry Variant Classification Scheme 2023. Collection method: clinical testing. Allele origin: germline.

Mendelics
Classification: Likely benign. Last evaluated: 2022-05-04. Review status: criteria provided, single submitter. Criteria: Mendelics Assertion Criteria 2019. Collection method: clinical testing. Allele origin: germline.

Breakthrough Genomics
Classification: Likely benign. Review status: criteria provided, single submitter. Criteria: ACMG Guidelines, 2015. Collection method: not provided. Allele origin: germline. Inheritance: Autosomal recessive inheritance. Affected: yes.

PreventionGenetics, part of Exact Sciences
Classification: Likely benign for TOP3A-related condition. Last evaluated: 2020-05-21. Review status: no assertion criteria provided. Collection method: clinical testing. Allele origin: germline. Not counted in ClinVar's aggregate classification.
Comment: This variant is classified as likely benign based on ACMG/AMP sequence variant interpretation guidelines (Richards et al. 2015 PMID: 25741868, with internal and published modifications).

NM_004618.5(TOP3A):c.2270C>T (p.Pro757Leu)

Gene: TOP3A (DNA topoisomerase III alpha; minus strand). Cytogenetic location: 17p11.2.
Variant type: single nucleotide variant.
Coding change: c.2270C>T on transcript NM_004618.5 (MANE Select); coding-DNA position 2270, C replaced by T.
Protein change: p.Pro757Leu; replaces proline 757 with leucine.
Molecular consequence: missense variant.
Genome position (GRCh38, 1-based): chr17:18,278,232, G>A on the plus strand (C>T on the coding strand, the complement: TOP3A is on the minus strand). VCF-style: chr17-18278232-G-A. GRCh37 (hg19) VCF-style: chr17-18181546-G-A.
Other names: c.1985C>T, p.Pro662Leu (NM_001320759.2); c.2270C>T (NM_004618.3, NM_004618.4); short protein forms P662L, P757L.
Identifiers: ClinVar variation 1630542 (VCV001630542.38), dbSNP rs149596894, ClinGen allele CA8429634.